The following is an entry in ClinVar:

NM_018896.5(CACNA1G):c.6965G>A (p.Arg2322Gln)

Gene: CACNA1G (calcium voltage-gated channel subunit alpha1 G; plus strand). Cytogenetic location: 17q21.33.
Variant type: single nucleotide variant.
Coding change: c.6965G>A on transcript NM_018896.5 (MANE Select); coding-DNA position 6965, G replaced by A.
Protein change: p.Arg2322Gln; replaces arginine 2322 with glutamine.
Molecular consequence: missense variant. On other transcripts: non-coding transcript variant (5).
Genome position (GRCh38, 1-based): chr17:50,626,582, G>A. VCF-style: chr17-50626582-G-A. GRCh37 (hg19) VCF-style: chr17-48703943-G-A.
Other names: p.Arg2322Gln; c.6776G>A, p.Arg2259Gln (NM_001256324.2); c.6707G>A, p.Arg2236Gln (NM_001256325.2); c.6695G>A, p.Arg2232Gln (NM_001256326.2); c.6665G>A, p.Arg2222Gln (NM_001256327.2); c.6611G>A, p.Arg2204Gln (NM_001256328.2); c.6584G>A, p.Arg2195Gln (NM_001256329.2, NM_198387.3); c.6551G>A, p.Arg2184Gln (NM_001256330.2); and 19 more; short protein forms R2116Q, R2139Q, R2177Q, R2195Q, R2202Q, R2206Q, R2211Q, R2243Q.
Identifiers: ClinVar variation 711659 (VCV000711659.14), dbSNP rs60940191, ClinGen allele CA8653773.

ClinVar aggregate classification (germline): Benign/Likely benign. Review status: criteria provided, multiple submitters, no conflicts (2 of 4 stars). 6 submissions from 6 submitters: Benign (3); Likely benign (2). 1 of the submissions does not count toward it. Last evaluated 2025-11-03.

Conditions:
CACNA1G-related disorder. Also called: CACNA1G-related condition; CACNA1G-related disorders.

Allele frequency attached by ClinVar (database versions not stated): gnomAD exomes 0.00015 and 0.00043; ExAC 0.00075; gnomAD 0.00164 and 0.00179; 1000 Genomes Project 0.00180; ESP Exome Variant Server 0.00186; 1000 Genomes Project 30x 0.00187; TOPMed 0.00216.
gnomAD v4.1: 483 of 1,605,364 alleles (0.03%); highest among the groups gnomAD compares: African/African-American, 0.58%; 2 homozygotes.

Submissions (6):

Labcorp Genetics (formerly Invitae), Labcorp
Classification: Benign. Last evaluated: 2025-11-03. Review status: criteria provided, single submitter. Criteria: Invitae Variant Classification Sherloc (09022015). Collection method: clinical testing. Allele origin: germline.

Mayo Clinic Laboratories, Mayo Clinic
Classification: Likely benign. Last evaluated: 2025-05-02. Review status: criteria provided, single submitter. Criteria: ACMG Guidelines, 2015. Collection method: clinical testing. Allele origin: germline. Observed: 1 variant allele.
Comment: BS1, BP4_moderate

Blueprint Genetics
Classification: Likely benign. Last evaluated: 2024-07-11. Review status: criteria provided, single submitter. Criteria: ACMG Guidelines, 2015. Collection method: clinical testing. Allele origin: germline.

GeneDx
Classification: Benign. Last evaluated: 2021-05-03. Review status: criteria provided, single submitter. Criteria: GeneDx Variant Classification Process June 2021. Collection method: clinical testing. Allele origin: germline. Affected: yes.

Breakthrough Genomics
Classification: Benign. Review status: criteria provided, single submitter. Criteria: ACMG Guidelines, 2015. Collection method: not provided. Allele origin: germline. Inheritance: Autosomal dominant inheritance. Affected: yes.

PreventionGenetics, part of Exact Sciences
Classification: Benign for CACNA1G-related condition. Last evaluated: 2020-01-13. Review status: no assertion criteria provided. Collection method: clinical testing. Allele origin: germline. Not counted in ClinVar's aggregate classification.
Comment: This variant is classified as benign based on ACMG/AMP sequence variant interpretation guidelines (Richards et al. 2015 PMID: 25741868, with internal and published modifications).